The following is an entry in ClinVar:

NM_005027.4(PIK3R2):c.766_783dup (p.Pro261_Ser262insArgAlaProProProPro)

Genes: PIK3R2 (phosphoinositide-3-kinase regulatory subunit 2; plus strand), LOC130063979 (ATAC-STARR-seq lymphoblastoid silent region 10375; plus strand). Cytogenetic location: 19p13.11.
Variant type: Duplication.
Coding change: c.766_783dup on transcript NM_005027.4 (MANE Select); coding-DNA positions 766 to 783, 18 bases duplicated (CGCGCGCCGCCGCCGCCG).
Protein change: p.Pro261_Ser262insArgAlaProProProPro.
Molecular consequence: inframe insertion. On other transcripts: non-coding transcript variant (1).
Genome position (GRCh38, 1-based): chr19:18,161,446-18,161,463, CGCGCGCCGCCGCCGCCG duplicated; duplicating any 18 consecutive bases within chr19:18,161,445-18,161,463 gives the same sequence; the c. name uses the placement nearest the transcript's 3' end. VCF-style (leftmost placement, unchanged base first): chr19-18161444-T-TGCGCGCGCCGCCGCCGCC. GRCh37 (hg19) VCF-style: chr19-18272254-T-TGCGCGCGCCGCCGCCGCC.
Identifiers: ClinVar variation 1925630 (VCV001925630.5), dbSNP rs2043744952, ClinGen allele CA994188027.

ClinVar aggregate classification (germline): Uncertain significance (1 of 4 stars; one submission).

Conditions:
Megalencephaly-polymicrogyria-postaxial polydactyly-hydrocephalus syndrome. Also called: MEG-PMG-MEGACC SYNDROME; MPPH Syndrome. Identifiers: Orphanet 83473, MedGen C1863924, MONDO:0019375.

Submission:

Labcorp Genetics (formerly Invitae), Labcorp
Classification: Uncertain significance for Megalencephaly-polymicrogyria-postaxial polydactyly-hydrocephalus syndrome. Last evaluated: 2022-08-22. Review status: criteria provided, single submitter. Criteria: Invitae Variant Classification Sherloc (09022015). Collection method: clinical testing. Allele origin: germline.
Comment: This variant is not present in population databases (gnomAD no frequency). In summary, the available evidence is currently insufficient to determine the role of this variant in disease. Therefore, it has been classified as a Variant of Uncertain Significance. This variant has not been reported in the literature in individuals affected with PIK3R2-related conditions. This variant, c.766_783dup, results in the insertion of 6 amino acid(s) of the PIK3R2 protein (p.Arg256_Pro261dup), but otherwise preserves the integrity of the reading frame.